The following is an entry in ClinVar:

ClinVar aggregate classification (germline): Likely pathogenic. Review status: criteria provided, single submitter (1 of 4 stars). 2 submissions from 2 submitters: Likely pathogenic (1). 1 of the submissions does not count toward it. Last evaluated 2026-08-07.

Conditions:
Primary hyperoxaluria, type II (HP2). Also called: GLYCERIC ACIDURIA; GLYOXYLATE REDUCTASE/HYDROXYPYRUVATE REDUCTASE DEFICIENCY; Primary hyperoxaluria type 2; OXALOSIS II; D-GLYCERATE DEHYDROGENASE DEFICIENCY. Identifiers: Orphanet 416, Orphanet 93599, MedGen C0268165, MONDO:0009824, OMIM 260000. Disease mechanism: loss of function.

Allele frequency attached by ClinVar (database versions not stated): gnomAD exomes below 0.00001.
gnomAD v4.1: 1 of 1,614,022 alleles (0.000062%); no homozygotes.

Submissions (2):

Myriad Genetics, Inc.
Classification: Likely pathogenic for Primary hyperoxaluria, type II. Last evaluated: 2026-08-07. Review status: criteria provided, single submitter. Criteria: Myriad Autosomal Dominant, Autosomal Recessive and X-Linked Classification Criteria (2023). Collection method: clinical testing. Allele origin: unknown.
Comment: NM_012203.1(GRHPR):c.934A>G(N312D) is a missense variant classified as likely pathogenic in the context of primary hyperoxaluria type 2. N312D has been observed in cases with relevant disease (PMID: 19296982, Levi_2026_(Abstract)). Relevant functional assessments of this variant are available in the literature (PMID: 19296982). N312D has not been observed in referenced population frequency databases. In summary, NM_012203.1(GRHPR):c.934A>G(N312D) is a missense variant that has functional support for pathogenicity and has been observed more frequently in cases with the relevant disease than in healthy populations. Please note: this variant was assessed in the context of healthy population screening.

Clinical Biochemistry Laboratory, Health Services Laboratory
Classification: Pathogenic for Primary hyperoxaluria, type II. Last evaluated: 2014-11-27. Review status: no assertion criteria provided. Collection method: in vitro. Allele origin: germline. Affected: yes. Not counted in ClinVar's aggregate classification.

Literature cited by the submitters: PubMed 19296982 (cited by Myriad Genetics, Inc. and Clinical Biochemistry Laboratory, Health Services Laboratory).

NM_012203.2(GRHPR):c.934A>G (p.Asn312Asp)

Gene: GRHPR (glyoxylate and hydroxypyruvate reductase; plus strand). Cytogenetic location: 9p13.2.
Variant type: single nucleotide variant.
Coding change: c.934A>G on transcript NM_012203.2 (MANE Select); coding-DNA position 934, A replaced by G.
Protein change: p.Asn312Asp; replaces asparagine 312 with aspartic acid.
Molecular consequence: missense variant.
Genome position (GRCh38, 1-based): chr9:37,436,729, A>G. VCF-style: chr9-37436729-A-G. GRCh37 (hg19) VCF-style: chr9-37436726-A-G.
Other names: short protein forms N312D.
Identifiers: ClinVar variation 204238 (VCV000204238.8), dbSNP rs180177324, ClinGen allele CA275897.